The following is an entry in ClinVar:

NM_147191.1(MMP21):c.1358C>T (p.Thr453Met)

Gene: MMP21 (matrix metallopeptidase 21; minus strand). Cytogenetic location: 10q26.2.
Variant type: single nucleotide variant.
Coding change: c.1358C>T on transcript NM_147191.1 (MANE Select); coding-DNA position 1358, C replaced by T.
Protein change: p.Thr453Met; replaces threonine 453 with methionine.
Molecular consequence: missense variant.
Genome position (GRCh38, 1-based): chr10:125,767,584, G>A on the plus strand (C>T on the coding strand, the complement: MMP21 is on the minus strand). VCF-style: chr10-125767584-G-A. GRCh37 (hg19) VCF-style: chr10-127456153-G-A.
Other names: short protein forms T453M.
Identifiers: ClinVar variation 2502127 (VCV002502127.5), dbSNP rs377123310, ClinGen allele CA5737940.

ClinVar aggregate classification (germline): Conflicting classifications of pathogenicity. Review status: criteria provided, conflicting classifications (1 of 4 stars). 3 submissions from 3 submitters: Likely pathogenic (1); Uncertain significance (2). Last evaluated 2024-11-13.

Conditions:
MMP21-related disorder. Also called: MMP21-related condition.

Allele frequency attached by ClinVar (database versions not stated): gnomAD 0.00007; TOPMed 0.00007; ESP Exome Variant Server 0.00008; gnomAD exomes 0.00010; ExAC 0.00011; 1000 Genomes Project 30x 0.00016; 1000 Genomes Project 0.00020.
gnomAD v4.1: 154 of 1,614,146 alleles (0.0095%); highest among the groups gnomAD compares: Non-Finnish European, 0.012%; no homozygotes.

Submissions (3):

PreventionGenetics, part of Exact Sciences
Classification: Uncertain significance for MMP21-related condition. Last evaluated: 2024-11-13. Review status: criteria provided, single submitter. Criteria: ACMG Guidelines, 2015. Collection method: clinical testing. Allele origin: germline.
Comment: The MMP21 c.1358C>T variant is predicted to result in the amino acid substitution p.Thr453Met. This variant was reported in the homozygous state in a patient affected with heterotaxy (D'Gama et al. 2022. PubMed ID: 36064943). This variant is reported in 0.016% of alleles in individuals of South Asian descent in gnomAD. Although we suspect that this variant may be pathogenic, at this time, the clinical significance of this variant is uncertain due to the absence of conclusive functional and genetic evidence.

Blueprint Genetics
Classification: Likely pathogenic for MMP21-related disorders. Last evaluated: 2024-01-18. Review status: criteria provided, single submitter. Criteria: ACMG Guidelines, 2015. Collection method: clinical testing. Allele origin: germline. Affected: yes. Observed: 5 variant alleles.

GeneDx
Classification: Uncertain significance. Last evaluated: 2023-05-08. Review status: criteria provided, single submitter. Criteria: GeneDx Variant Classification Process June 2021. Collection method: clinical testing. Allele origin: germline. Affected: yes.
Comment: In silico analysis supports that this missense variant has a deleterious effect on protein structure/function; Has not been previously published as pathogenic or benign to our knowledge